The following is an entry in ClinVar:

ClinVar aggregate classification (germline): Pathogenic (1 of 4 stars; one submission).

Conditions:
Nephronophthisis. Also called: Juvenile Nephronophthisis. Identifiers: Orphanet 655, MedGen C0687120, MONDO:0019005, HP:0000090.
Jeune thoracic dystrophy. Also called: Short-rib thoracic dysplasia; Jeune syndrome; Infantile thoracic dystrophy; Thoracic pelvic phalangeal dystrophy; Jeune's syndrome; Chondroectodermal dysplasia-like syndrome. Identifiers: Orphanet 474, MedGen C0265275, MONDO:0018770.

gnomAD v4.1: 3 of 1,612,482 alleles (0.00019%); highest among the groups gnomAD compares: Middle Eastern, 0.017%; no homozygotes.

Submission:

Labcorp Genetics (formerly Invitae), Labcorp
Classification: Pathogenic for Jeune thoracic dystrophy; Nephronophthisis. Last evaluated: 2025-09-16. Review status: criteria provided, single submitter. Criteria: Invitae Variant Classification Sherloc (09022015). Collection method: clinical testing. Allele origin: germline.
Comment: This sequence change creates a premature translational stop signal (p.Arg926*) in the TTC21B gene. It is expected to result in an absent or disrupted protein product. Loss-of-function variants in TTC21B are known to be pathogenic (PMID: 18327258, 21068128, 21258341, 23559409, 24876116, 25492405, 27491411, 29068549). This variant is not present in population databases (gnomAD no frequency). This variant has not been reported in the literature in individuals affected with TTC21B-related conditions. For these reasons, this variant has been classified as Pathogenic.

Literature cited by the submitters: PubMed 18327258; PubMed 21068128; PubMed 21258341; PubMed 23559409; PubMed 24876116; PubMed 25492405; PubMed 27491411; PubMed 29068549.

NM_024753.5(TTC21B):c.2776C>T (p.Arg926Ter)

Gene: TTC21B (tetratricopeptide repeat domain 21B; minus strand). Cytogenetic location: 2q24.3.
Variant type: single nucleotide variant.
Coding change: c.2776C>T on transcript NM_024753.5 (MANE Select); coding-DNA position 2776, C replaced by T.
Protein change: p.Arg926Ter; replaces arginine 926 with a stop codon.
Molecular consequence: nonsense.
Genome position (GRCh38, 1-based): chr2:165,899,862, G>A on the plus strand (C>T on the coding strand, the complement: TTC21B is on the minus strand). VCF-style: chr2-165899862-G-A. GRCh37 (hg19) VCF-style: chr2-166756372-G-A.
Other names: short protein forms R926*.
Identifiers: ClinVar variation 4790061 (VCV004790061.1).
Genomic context (GRCh38, chr2:165,899,862, plus strand): 5'-GAAGCAGTAGAGCACACTGCCGCAGGCAGGAATCAGGGTCATCTTGTGCCAGGTATAATC[G>A]TGCCAGTTCCAACATAATCTGTAGAGCAAAGGGCTAGATTCATCAGACACTGTATAGAAT-3'